The following is an entry in ClinVar:

ClinVar aggregate classification (germline): Uncertain significance (1 of 4 stars; one submission).

Submission:

Labcorp Genetics (formerly Invitae), Labcorp
Classification: Uncertain significance. Last evaluated: 2023-03-26. Review status: criteria provided, single submitter. Criteria: Invitae Variant Classification Sherloc (09022015). Collection method: clinical testing. Allele origin: germline.
Comment: An algorithm developed to predict the effect of missense changes on protein structure and function (PolyPhen-2) suggests that this variant is likely to be tolerated. This variant has not been reported in the literature in individuals affected with ANKZF1-related conditions. This variant is not present in population databases (gnomAD no frequency). This sequence change replaces asparagine, which is neutral and polar, with aspartic acid, which is acidic and polar, at codon 83 of the ANKZF1 protein (p.Asn83Asp). In summary, the available evidence is currently insufficient to determine the role of this variant in disease. Therefore, it has been classified as a Variant of Uncertain Significance.

NM_018089.3(ANKZF1):c.247A>G (p.Asn83Asp)

Gene: ANKZF1 (ankyrin repeat and zinc finger peptidyl tRNA hydrolase 1; plus strand). Cytogenetic location: 2q35.
Variant type: single nucleotide variant.
Coding change: c.247A>G on transcript NM_018089.3 (MANE Select); coding-DNA position 247, A replaced by G.
Protein change: p.Asn83Asp; replaces asparagine 83 with aspartic acid.
Molecular consequence: missense variant. On other transcripts: intron variant (1).
Genome position (GRCh38, 1-based): chr2:219,232,026, A>G. VCF-style: chr2-219232026-A-G. GRCh37 (hg19) VCF-style: chr2-220096748-A-G.
Other names: c.247A>G, p.Asn83Asp (NM_001042410.2); c.-266-464A>G (NM_001282792.2); short protein forms N83D.
Identifiers: ClinVar variation 2870612 (VCV002870612.3), dbSNP rs2544911520, ClinGen allele CA350672441.
Genomic context (GRCh38, chr2:219,232,026, plus strand): 5'-CAGGGTCCTATGGATATTTCAGAGAAGTTATTTTGTTCAACTTGTGACCAGACCTTCCAG[A>G]ACCACCAAGAACAGGTAATAGGTCAGGTGCAGAGCTAGATGTTAGAAGCAAAAGTGTAAT-3'
Protein context (NP_060559.2, residues 73-93): FCSTCDQTFQ[Asn83Asp]HQEQREHYKL